The following is an entry in ClinVar:

ClinVar aggregate classification (germline): Likely benign. Review status: criteria provided, multiple submitters, no conflicts (2 of 4 stars). 2 submissions from 2 submitters: Likely benign (2). Last evaluated 2024-05-01.

Conditions:
Progressive sclerosing poliodystrophy (MTDPS4A). Also called: NEURONAL DEGENERATION OF CHILDHOOD WITH LIVER DISEASE, PROGRESSIVE; ALPERS PROGRESSIVE INFANTILE POLIODYSTROPHY; Alpers Syndrome; Mitochondrial DNA depletion syndrome 4A (Alpers type); Mitochondrial DNA Depletion Syndrome 4A; Alpers-Huttenlocher Syndrome (AHS). Identifiers: Orphanet 726, MedGen C0205710, MONDO:0008758, OMIM 203700.

Allele frequency attached by ClinVar (database versions not stated): gnomAD exomes below 0.00001.
gnomAD v4.1: 2 of 1,613,002 alleles (0.00012%); highest among the groups gnomAD compares: Non-Finnish European, 0.00017%; no homozygotes.

Submissions (2):

CeGaT Center for Human Genetics Tuebingen
Classification: Likely benign. Last evaluated: 2024-05-01. Review status: criteria provided, single submitter. Criteria: CeGaT Center For Human Genetics Tuebingen Variant Classification Criteria Version 2. Collection method: clinical testing. Allele origin: germline. Affected: yes. Observed: 1 variant allele.
Comment: POLG: PM2:Supporting, BP4, BP7

Labcorp Genetics (formerly Invitae), Labcorp
Classification: Likely benign for Progressive sclerosing poliodystrophy. Last evaluated: 2022-06-10. Review status: criteria provided, single submitter. Criteria: Invitae Variant Classification Sherloc (09022015). Collection method: clinical testing. Allele origin: germline.

NM_002693.3(POLG):c.1243T>C (p.Leu415=)

Gene: POLG (DNA polymerase gamma, catalytic subunit; minus strand). Cytogenetic location: 15q26.1.
Variant type: single nucleotide variant.
Coding change: c.1243T>C on transcript NM_002693.3 (MANE Select); coding-DNA position 1243, T replaced by C.
Protein change: p.Leu415=; no amino-acid change (leucine 415 retained).
Molecular consequence: synonymous variant.
Genome position (GRCh38, 1-based): chr15:89,328,463, A>G on the plus strand (T>C on the coding strand, the complement: POLG is on the minus strand). VCF-style: chr15-89328463-A-G. GRCh37 (hg19) VCF-style: chr15-89871694-A-G.
Other names: c.1243T>C, p.Leu415= (NM_001126131.2).
Identifiers: ClinVar variation 1926365 (VCV001926365.24), dbSNP rs2509260180, ClinGen allele CA492289617.
Genomic context (GRCh38, chr15:89,328,463, plus strand): 5'-GGGTACCAGGAACACACTGACCCCCAGAGATTCCCACATGGGCTCCCCCTCACCTCTCCA[A>G]GAAGAGCGGTAGCTGCTGCTGGAAAACCTCATGGGTGGCCCACACGTCCTGGGCACAGTA-3'
Protein context (NP_002684.1, residues 405-425): EVFQQQLPLF[Leu415=]ERCPHPVTLA